The following is an entry in ClinVar:

ClinVar aggregate classification (germline): Uncertain significance (1 of 4 stars; one submission).

Allele frequency attached by ClinVar (database versions not stated): gnomAD exomes 0.00001; gnomAD 0.00004; TOPMed 0.00001.
gnomAD v4.1: 11 of 1,613,530 alleles (0.00068%); highest among the groups gnomAD compares: African/African-American, 0.011%; no homozygotes.

Submission:

Labcorp Genetics (formerly Invitae), Labcorp
Classification: Uncertain significance. Last evaluated: 2025-03-07. Review status: criteria provided, single submitter. Criteria: Invitae Variant Classification Sherloc (09022015). Collection method: clinical testing. Allele origin: germline.
Comment: This sequence change affects codon 177 of the HYOU1 mRNA. It is a 'silent' change, meaning that it does not change the encoded amino acid sequence of the HYOU1 protein. This variant is present in population databases (no rsID available, gnomAD 0.01%). This variant has not been reported in the literature in individuals affected with HYOU1-related conditions. ClinVar contains an entry for this variant (Variation ID: 2955820). Algorithms developed to predict the effect of sequence changes on RNA splicing suggest that this variant may create or strengthen a splice site. In summary, the available evidence is currently insufficient to determine the role of this variant in disease. Therefore, it has been classified as a Variant of Uncertain Significance.

NM_006389.5(HYOU1):c.531A>G (p.Pro177=)

Gene: HYOU1 (hypoxia up-regulated 1; minus strand). Cytogenetic location: 11q23.3.
Variant type: single nucleotide variant.
Coding change: c.531A>G on transcript NM_006389.5 (MANE Select); coding-DNA position 531, A replaced by G.
Protein change: p.Pro177=; no amino-acid change (proline 177 retained).
Molecular consequence: synonymous variant.
Genome position (GRCh38, 1-based): chr11:119,054,641, T>C on the plus strand (A>G on the coding strand, the complement: HYOU1 is on the minus strand). VCF-style: chr11-119054641-T-C. GRCh37 (hg19) VCF-style: chr11-118925353-T-C.
Other names: c.531A>G, p.Pro177= (NM_001130991.3, NM_001411041.1).
Identifiers: ClinVar variation 2955820 (VCV002955820.3), dbSNP rs1401979828, ClinGen allele CA645598651.